The following is an entry in ClinVar:

NM_000090.4(COL3A1):c.3165C>G (p.Val1055=)

Gene: COL3A1 (collagen type III alpha 1 chain; plus strand). Cytogenetic location: 2q32.2.
Variant type: single nucleotide variant.
Coding change: c.3165C>G on transcript NM_000090.4 (MANE Select); coding-DNA position 3165, C replaced by G.
Protein change: p.Val1055=; no amino-acid change (valine 1055 retained).
Molecular consequence: synonymous variant.
Genome position (GRCh38, 1-based): chr2:189,006,416, C>G. VCF-style: chr2-189006416-C-G. GRCh37 (hg19) VCF-style: chr2-189871142-C-G.
Identifiers: ClinVar variation 3386480 (VCV003386480.2).

ClinVar aggregate classification (germline): Likely benign. Review status: criteria provided, multiple submitters, no conflicts (2 of 4 stars). 2 submissions from 2 submitters: Likely benign (2). Last evaluated 2026-08-16.

Conditions:
Familial thoracic aortic aneurysm and aortic dissection (TAAD). Also called: Thoracic aortic aneurysms and dissections. Identifiers: Orphanet 91387, MedGen C4707243, MONDO:0019625.
Ehlers-Danlos syndrome, type 4 (EDSVASC). Also called: Ehlers-Danlos syndrome vascular type; Ehlers Danlos syndrome, ecchymotic type; Ehlers Danlos syndrome, arterial type; Ehlers Danlos syndrome, Sack-Barabas type; Ehlers-Danlos Syndrome Type IV. Identifiers: Orphanet 286, MedGen C0268338, MONDO:0017314, OMIM 130050.

Submissions (2):

Ambry Genetics
Classification: Likely benign for Familial thoracic aortic aneurysm and aortic dissection. Last evaluated: 2026-08-16. Review status: criteria provided, single submitter. Criteria: Ambry Variant Classification Scheme 2023. Collection method: clinical testing. Allele origin: germline.

All of Us Research Program, National Institutes of Health
Classification: Likely benign for Ehlers-Danlos syndrome, type 4. Last evaluated: 2024-08-13. Review status: criteria provided, single submitter. Criteria: ACMG Guidelines, 2015. Collection method: clinical testing. Allele origin: germline. Inheritance: Autosomal dominant inheritance. Observed: 1 variant allele, 1 heterozygote.
Comment: This study involves interpretation of variants in research participants for the purpose of population health screening. Participant phenotype was not available at the time of variant classification. Additional details can be found in publication PMID: 35346344, PMCID: PMC8962531